The following is an entry in ClinVar:

NM_145059.3(FCSK):c.2645G>A (p.Gly882Asp)

Gene: FCSK (fucose kinase; plus strand). Cytogenetic location: 16q22.1.
Variant type: single nucleotide variant.
Coding change: c.2645G>A on transcript NM_145059.3 (MANE Select); coding-DNA position 2645, G replaced by A.
Protein change: p.Gly882Asp; replaces glycine 882 with aspartic acid.
Molecular consequence: missense variant.
Genome position (GRCh38, 1-based): chr16:70,478,275, G>A. VCF-style: chr16-70478275-G-A. GRCh37 (hg19) VCF-style: chr16-70512178-G-A.
Other names: short protein forms G882D.
Identifiers: ClinVar variation 2970925 (VCV002970925.3), dbSNP rs778089170, ClinGen allele CA8143695.
Genomic context (GRCh38, chr16:70,478,275, plus strand): 5'-TGGGAGAGTGAAGCTGGGCCAGATAGACTCCAACAGTGACAGTCCCTGGGCTCACAGGAG[G>A]TGGCTGGCAGGACCAAGTAGGTGGCCTAATGCCTGGCATCAAGGTGGGGCGCTCCCGGGC-3'
Protein context (NP_659496.2, residues 872-892): LHLEQVLTTG[Gly882Asp]GWQDQVGGLM

ClinVar aggregate classification (germline): Uncertain significance (1 of 4 stars; one submission).

Allele frequency attached by ClinVar (database versions not stated): ExAC 0.00001; gnomAD exomes 0.00001; TOPMed 0.00001; gnomAD 0.00002.
gnomAD v4.1: 13 of 1,613,800 alleles (0.00081%); highest among the groups gnomAD compares: Admixed American, 0.0083%; no homozygotes.

Submission:

Labcorp Genetics (formerly Invitae), Labcorp
Classification: Uncertain significance. Last evaluated: 2024-02-23. Review status: criteria provided, single submitter. Criteria: Invitae Variant Classification Sherloc (09022015). Collection method: clinical testing. Allele origin: germline.
Comment: This sequence change replaces glycine, which is neutral and non-polar, with aspartic acid, which is acidic and polar, at codon 882 of the FUK protein (p.Gly882Asp). The frequency data for this variant in the population databases is considered unreliable, as metrics indicate poor data quality at this position in the gnomAD database. This variant has not been reported in the literature in individuals affected with FUK-related conditions. An algorithm developed to predict the effect of missense changes on protein structure and function (PolyPhen-2) suggests that this variant is likely to be disruptive. In summary, the available evidence is currently insufficient to determine the role of this variant in disease. Therefore, it has been classified as a Variant of Uncertain Significance.